The following is an entry in ClinVar:

NM_006924.5(SRSF1):c.77A>C (p.Asp26Ala)

Gene: SRSF1 (serine and arginine rich splicing factor 1; minus strand). Cytogenetic location: 17q22.
Variant type: single nucleotide variant.
Coding change: c.77A>C on transcript NM_006924.5 (MANE Select); coding-DNA position 77, A replaced by C.
Protein change: p.Asp26Ala; replaces aspartic acid 26 with alanine.
Molecular consequence: missense variant. On other transcripts: non-coding transcript variant (2).
Genome position (GRCh38, 1-based): chr17:58,007,061, T>G on the plus strand (A>C on the coding strand, the complement: SRSF1 is on the minus strand). VCF-style: chr17-58007061-T-G. GRCh37 (hg19) VCF-style: chr17-56084422-T-G.
Other names: c.77A>C, p.Asp26Ala (NM_001078166.2); short protein forms D26A.
Identifiers: ClinVar variation 3322752 (VCV003322752.1).

ClinVar aggregate classification (germline): Uncertain significance (1 of 4 stars; one submission).

Conditions:
Inborn genetic diseases. Identifiers: MedGen C0950123, MeSH D030342.

Submission:

Ambry Genetics
Classification: Uncertain significance for Inborn genetic diseases. Last evaluated: 2024-04-11. Review status: criteria provided, single submitter. Criteria: Ambry Variant Classification Scheme 2023. Collection method: clinical testing. Allele origin: germline.
Comment: The c.77A>C (p.D26A) alteration is located in exon 1 (coding exon 1) of the SRSF1 gene. This alteration results from a A to C substitution at nucleotide position 77, causing the aspartic acid (D) at amino acid position 26 to be replaced by an alanine (A). This variant was not reported in population-based cohorts in the Genome Aggregation Database (gnomAD). This amino acid position is highly conserved in available vertebrate species. This missense alteration is located in a region that has a low rate of benign missense variation (Lek, 2016; Firth, 2009). The in silico prediction for this alteration is inconclusive. Based on insufficient or conflicting evidence, the clinical significance of this alteration remains unclear.